The following is an entry in ClinVar:

NM_000492.4(CFTR):c.1997T>A (p.Leu666Ter)

Gene: CFTR (CF transmembrane conductance regulator; plus strand). Cytogenetic location: 7q31.2.
Variant type: single nucleotide variant.
Coding change: c.1997T>A on transcript NM_000492.4 (MANE Select); coding-DNA position 1997, T replaced by A.
Protein change: p.Leu666Ter; replaces leucine 666 with a stop codon.
Molecular consequence: nonsense.
Genome position (GRCh38, 1-based): chr7:117,592,164, T>A. VCF-style: chr7-117592164-T-A. GRCh37 (hg19) VCF-style: chr7-117232218-T-A.
Other names: c.1997T>A (NM_000492.3); short protein forms L666*.
Identifiers: ClinVar variation 983579 (VCV000983579.4), dbSNP rs1792036942, ClinGen allele CA368979162.
Genomic context (GRCh38, chr7:117,592,164, plus strand): 5'-GATGTGATTCTTTCGACCAATTTAGTGCAGAAAGAAGAAATTCAATCCTAACTGAGACCT[T>A]ACACCGTTTCTCATTAGAAGGAGATGCTCCTGTCTCCTGGACAGAAACAAAAAAACAATC-3'

ClinVar aggregate classification (germline): Likely pathogenic. Review status: criteria provided, multiple submitters, no conflicts (2 of 4 stars). 2 submissions from 2 submitters: Likely pathogenic (2). Last evaluated 2025-08-05.

Conditions:
CFTR-related disorder (CFTR-RD). Also called: CFTR-related disorders; CFTR-related condition. Identifiers: MedGen C5924204, MONDO:7770004.
Cystic fibrosis (CF). Also called: MUCOVISCIDOSIS. Identifiers: Orphanet 586, MedGen C0010674, MONDO:0009061, OMIM 219700. Disease mechanism: loss of function.

Submissions (2):

Natera, Inc.
Classification: Likely pathogenic for CFTR-related disorders. Last evaluated: 2025-08-05. Review status: criteria provided, single submitter. Criteria: Natera Variant Classification Schema (03/2026). Collection method: clinical testing. Allele origin: germline.
Comment: The c.1997T>A variant in CFTR is a nonsense variant predicted to introduce a stop codon at amino acid 666. This variant is expected to result in nonsense mediated decay, truncation, or a dysfunctional protein product. This variant is rare in the general population with a frequency below the threshold expected for the associated phenotype(s). Given the available evidence, this variant is classified as Likely Pathogenic.

Myriad Genetics, Inc.
Classification: Likely pathogenic for Cystic fibrosis. Last evaluated: 2019-05-01. Review status: criteria provided, single submitter. Criteria: Myriad Women's Health Autosomal Recessive and X-Linked Classification Criteria (2019). Collection method: clinical testing. Allele origin: unknown.
Comment: NM_000492.3(CFTR):c.1997T>A(L666*) is expected to be pathogenic in the context of cystic fibrosis. This variant is predicted to lead to an abnormal or absent protein product due to the creation of a premature termination codon in CFTR, a gene where loss-of-function variants are known to be pathogenic. Please note: this variant was assessed in the context of healthy population screening.